The following is an entry in ClinVar:

NM_001122630.2(CDKN1C):c.479C>T (p.Ala160Val)

Gene: CDKN1C (cyclin dependent kinase inhibitor 1C; minus strand). Cytogenetic location: 11p15.4.
Variant type: single nucleotide variant.
Coding change: c.479C>T on transcript NM_001122630.2 (MANE Select); coding-DNA position 479, C replaced by T.
Protein change: p.Ala160Val; replaces alanine 160 with valine.
Molecular consequence: missense variant. On other transcripts: intron variant (1).
Genome position (GRCh38, 1-based): chr11:2,884,978, G>A on the plus strand (C>T on the coding strand, the complement: CDKN1C is on the minus strand). VCF-style: chr11-2884978-G-A. GRCh37 (hg19) VCF-style: chr11-2906208-G-A.
Other names: c.479C>T, p.Ala160Val (NM_001122631.2); c.512C>T, p.Ala171Val (NM_001362474.2, NM_000076.2); c.255+224C>T (NM_001362475.2); short protein forms A160V, A171V.
Identifiers: ClinVar variation 948549 (VCV000948549.9), dbSNP rs1564930022, ClinGen allele CA379146554.

ClinVar aggregate classification (germline): Uncertain significance (1 of 4 stars; one submission).

Conditions:
Beckwith-Wiedemann syndrome (BWS). Also called: Exomphalos macroglossia gigantism syndrome; EMG SYNDROME. Identifiers: Orphanet 116, MedGen C0004903, MONDO:0007534, OMIM 130650.

Submission:

Labcorp Genetics (formerly Invitae), Labcorp
Classification: Uncertain significance for Beckwith-Wiedemann syndrome. Last evaluated: 2023-06-16. Review status: criteria provided, single submitter. Criteria: Invitae Variant Classification Sherloc (09022015). Collection method: clinical testing. Allele origin: germline.
Comment: In summary, the available evidence is currently insufficient to determine the role of this variant in disease. Therefore, it has been classified as a Variant of Uncertain Significance. Advanced modeling of protein sequence and biophysical properties (such as structural, functional, and spatial information, amino acid conservation, physicochemical variation, residue mobility, and thermodynamic stability) performed at Invitae indicates that this missense variant is not expected to disrupt CDKN1C protein function. ClinVar contains an entry for this variant (Variation ID: 948549). This variant has not been reported in the literature in individuals affected with CDKN1C-related conditions. The frequency data for this variant in the population databases is considered unreliable, as metrics indicate insufficient coverage at this position in the gnomAD database. This sequence change replaces alanine, which is neutral and non-polar, with valine, which is neutral and non-polar, at codon 171 of the CDKN1C protein (p.Ala171Val).